The following is an entry in ClinVar:

NM_000094.4(COL7A1):c.682+1G>T

Gene: COL7A1 (collagen type VII alpha 1 chain; minus strand). Cytogenetic location: 3p21.31.
Variant type: single nucleotide variant.
Coding change: c.682+1G>T on transcript NM_000094.4 (MANE Select); the canonical splice donor site of the intron after coding-DNA position 682, G replaced by T.
Molecular consequence: splice donor variant.
Genome position (GRCh38, 1-based): chr3:48,593,101, C>A on the plus strand (G>T on the coding strand, the complement: COL7A1 is on the minus strand). VCF-style: chr3-48593101-C-A. GRCh37 (hg19) VCF-style: chr3-48630534-C-A.
Identifiers: ClinVar variation 2627281 (VCV002627281.1), dbSNP rs775288140, ClinGen allele CA352742956.

ClinVar aggregate classification (germline): Likely pathogenic (1 of 4 stars; one submission).

Conditions:
COL7A1-related disorder. Also called: COL7A1- related disorders; COL7A1-related condition.

Submission:

Women's Health and Genetics/Laboratory Corporation of America, LabCorp
Classification: Likely pathogenic for COL7A1-Related Disorders. Last evaluated: 2023-09-20. Review status: criteria provided, single submitter. Criteria: LabCorp Variant Classification Summary - May 2015. Collection method: clinical testing. Allele origin: germline.
Comment: Variant summary: COL7A1 c.682+1G>T is located in a canonical splice-site and is predicted to affect mRNA splicing resulting in a significantly altered protein due to either exon skipping, shortening, or inclusion of intronic material. Several computational tools predict a significant impact on normal splicing: Four predict the variant abolishes a canonical 5' splicing donor site. However, these predictions have yet to be confirmed by functional studies. The variant was absent in 251360 control chromosomes (gnomAD). c.682+1G>T has been reported in the literature in an individual affected with Dystrophic Epidermolysis Bullosa, Recessive who was compound heterozygous with a truncating variant (Chen_2023). These data suggest the variant may be associated with disease. To our knowledge, no experimental evidence demonstrating an impact on protein function has been reported. The following publication has been ascertained in the context of this evaluation (PMID: 36287101). No submitters have cited clinical-significance assessments for this variant to ClinVar after 2014. Based on the evidence outlined above, the variant was classified as likely pathogenic.

Literature cited by the submitters: PubMed 36287101.